The following is an entry in ClinVar:

ClinVar aggregate classification (germline): Uncertain significance. Review status: criteria provided, multiple submitters, no conflicts (2 of 4 stars). 2 submissions from 2 submitters: Uncertain significance (2). Last evaluated 2025-07-28.

Conditions:
Charcot-Marie-Tooth disease axonal type 2U. Also called: CHARCOT-MARIE-TOOTH NEUROPATHY, TYPE 2U; CHARCOT-MARIE-TOOTH DISEASE, AXONAL, AUTOSOMAL DOMINANT, TYPE 2U. Identifiers: Orphanet 397735, MedGen C4084821, MONDO:0014566, OMIM 616280.
Severe early-onset pulmonary alveolar proteinosis due to MARS deficiency. Also called: Interstitial lung and liver disease; PULMONARY ALVEOLAR PROTEINOSIS, REUNION ISLAND. Identifiers: Orphanet 440427, MedGen C4225400, MONDO:0014206, OMIM 615486.
MARS1-related disorder. Also called: MARS1-related condition.

Allele frequency attached by ClinVar (database versions not stated): TOPMed 0.00002; gnomAD exomes 0.00005; ExAC 0.00006.
gnomAD v4.1: 84 of 1,613,902 alleles (0.0052%); highest among the groups gnomAD compares: Non-Finnish European, 0.0056%; no homozygotes.

Submissions (2):

PreventionGenetics, part of Exact Sciences
Classification: Uncertain significance for MARS1-related condition. Last evaluated: 2025-07-28. Review status: criteria provided, single submitter. Criteria: ACMG Guidelines, 2015. Collection method: clinical testing. Allele origin: germline.
Comment: The MARS1 c.740T>C variant is predicted to result in the amino acid substitution p.Leu247Ser. To our knowledge, this variant has not been reported in the literature. This variant is reported in 0.018% of alleles in individuals of European (Finnish) descent in gnomAD. At this time, the clinical significance of this variant is uncertain due to the absence of conclusive functional and genetic evidence.

Labcorp Genetics (formerly Invitae), Labcorp
Classification: Uncertain significance for Charcot-Marie-Tooth disease axonal type 2U; Severe early-onset pulmonary alveolar proteinosis due to MARS deficiency. Last evaluated: 2025-06-29. Review status: criteria provided, single submitter. Criteria: Invitae Variant Classification Sherloc (09022015). Collection method: clinical testing. Allele origin: germline.
Comment: This sequence change replaces leucine, which is neutral and non-polar, with serine, which is neutral and polar, at codon 247 of the MARS protein (p.Leu247Ser). This variant is present in population databases (rs763613524, gnomAD 0.01%). This variant has not been reported in the literature in individuals affected with MARS-related conditions. ClinVar contains an entry for this variant (Variation ID: 1681699). An algorithm developed to predict the effect of missense changes on protein structure and function (PolyPhen-2) suggests that this variant is likely to be tolerated. In summary, the available evidence is currently insufficient to determine the role of this variant in disease. Therefore, it has been classified as a Variant of Uncertain Significance.

NM_004990.4(MARS1):c.740T>C (p.Leu247Ser)

Gene: MARS1 (methionyl-tRNA synthetase 1; plus strand). Cytogenetic location: 12q13.3.
Variant type: single nucleotide variant.
Coding change: c.740T>C on transcript NM_004990.4 (MANE Select); coding-DNA position 740, T replaced by C.
Protein change: p.Leu247Ser; replaces leucine 247 with serine.
Molecular consequence: missense variant.
Genome position (GRCh38, 1-based): chr12:57,490,614, T>C. VCF-style: chr12-57490614-T-C. GRCh37 (hg19) VCF-style: chr12-57884397-T-C.
Other names: c.740T>C (NM_004990.3); short protein forms L247S.
Identifiers: ClinVar variation 1681699 (VCV001681699.7), dbSNP rs763613524, ClinGen allele CA6650266.